The following is an entry in ClinVar:

ClinVar aggregate classification (germline): Benign/Likely benign. Review status: criteria provided, multiple submitters, no conflicts (2 of 4 stars). 5 submissions from 5 submitters: Benign (1); Likely benign (3). 1 of the submissions does not count toward it. Last evaluated 2025-11-24.

Conditions:
SNRNP200-related disorder. Also called: SNRNP200-related condition.
Retinitis pigmentosa (RP). Identifiers: Orphanet 791, MedGen C0035334, MeSH D012174, MONDO:0019200, OMIM 268000. Inheritance: Autosomal dominant, autosomal recessive and X linked inheritance.

Allele frequency attached by ClinVar (database versions not stated): gnomAD 0.00019 and 0.00032; TOPMed 0.00043; 1000 Genomes Project 30x 0.00094; 1000 Genomes Project 0.00120.
gnomAD v4.1: 865 of 1,611,342 alleles (0.054%); highest among the groups gnomAD compares: East Asian, 1.9%; 7 homozygotes.

Submissions (11):

Labcorp Genetics (formerly Invitae), Labcorp
Classification: Benign. Last evaluated: 2025-11-24. Review status: criteria provided, single submitter. Criteria: Invitae Variant Classification Sherloc (09022015). Collection method: clinical testing. Allele origin: germline.

Blueprint Genetics
Classification: Likely benign. Last evaluated: 2024-06-06. Review status: criteria provided, single submitter. Criteria: ACMG Guidelines, 2015. Collection method: clinical testing. Allele origin: germline.

CeGaT Center for Human Genetics Tuebingen
Classification: Likely benign. Last evaluated: 2024-05-01. Review status: criteria provided, single submitter. Criteria: CeGaT Center For Human Genetics Tuebingen Variant Classification Criteria Version 2. Collection method: clinical testing. Allele origin: germline. Affected: yes. Observed: 1 variant allele.
Comment: SNRNP200: BP4, BS1

Illumina Laboratory Services, Illumina
Classification: Likely benign for Retinitis pigmentosa. Last evaluated: 2017-04-27. Review status: criteria provided, single submitter. Criteria: ICSL Variant Classification Criteria 13 December 2019. Collection method: clinical testing. Allele origin: germline.
Comment: This variant was observed as part of a predisposition screen in an ostensibly healthy population. A literature search was performed for the gene, cDNA change, and amino acid change (where applicable). Publications were found based on this search. The evidence from the literature, in combination with allele frequency data from public databases where available, was sufficient to determine this variant is unlikely to cause disease. Therefore, this variant is classified as likely benign.

PreventionGenetics, part of Exact Sciences
Classification: Benign for SNRNP200-related condition. Last evaluated: 2024-08-25. Review status: no assertion criteria provided. Collection method: clinical testing. Allele origin: germline. Not counted in ClinVar's aggregate classification.
Comment: This variant is classified as benign based on ACMG/AMP sequence variant interpretation guidelines (Richards et al. 2015 PMID: 25741868, with internal and published modifications).

Dr. Peter K. Rogan Lab, Western University
No classification provided (evidence only). Condition: Acute myeloid leukemia. Review status: no classification provided. Collection method: in vitro. Allele origin: not applicable. Functional consequence: retained intron. Not counted in ClinVar's aggregate classification.

Dr. Peter K. Rogan Lab, Western University
No classification provided (evidence only). Condition: Cervical cancer. Review status: no classification provided. Collection method: in vitro. Allele origin: not applicable. Functional consequence: retained intron. Not counted in ClinVar's aggregate classification.

Dr. Peter K. Rogan Lab, Western University
No classification provided (evidence only). Condition: Gastric cancer. Review status: no classification provided. Collection method: in vitro. Allele origin: not applicable. Functional consequence: retained intron. Not counted in ClinVar's aggregate classification.

Dr. Peter K. Rogan Lab, Western University
No classification provided (evidence only). Condition: Hepatocellular carcinoma. Review status: no classification provided. Collection method: in vitro. Allele origin: not applicable. Functional consequence: retained intron. Not counted in ClinVar's aggregate classification.

Dr. Peter K. Rogan Lab, Western University
No classification provided (evidence only). Condition: Hepatocellular carcinoma. Review status: no classification provided. Collection method: in vitro. Allele origin: not applicable. Functional consequence: retained intron. Not counted in ClinVar's aggregate classification.

Dr. Peter K. Rogan Lab, Western University
No classification provided (evidence only). Condition: Hepatocellular carcinoma. Review status: no classification provided. Collection method: in vitro. Allele origin: not applicable. Functional consequence: retained intron. Not counted in ClinVar's aggregate classification.

Literature cited by the submitters: PubMed 23887765 (cited by Illumina Laboratory Services, Illumina).

NM_014014.5(SNRNP200):c.5134-6C>G

Genes: SNRNP200 (small nuclear ribonucleoprotein U5 subunit 200; minus strand), LOC126806272 (BRD4-independent group 4 enhancer GRCh37_chr2:96944520-96945719; plus strand). Cytogenetic location: 2q11.2.
Variant type: single nucleotide variant.
Coding change: c.5134-6C>G on transcript NM_014014.5 (MANE Select); 6 bases into the intron before coding-DNA position 5134, C replaced by G.
Molecular consequence: intron variant.
Genome position (GRCh38, 1-based): chr2:96,279,004, G>C on the plus strand (C>G on the coding strand, the complement: SNRNP200 is on the minus strand). VCF-style: chr2-96279004-G-C. GRCh37 (hg19) VCF-style: chr2-96944742-G-C.
Identifiers: ClinVar variation 337537 (VCV000337537.36), dbSNP rs3214062, ClinGen allele CA1778015.